The following is an entry in ClinVar:

NM_001165963.4(SCN1A):c.3858G>A (p.Trp1286Ter)

Genes: SCN1A (sodium voltage-gated channel alpha subunit 1; minus strand), LOC102724058 (uncharacterized LOC102724058; plus strand). Cytogenetic location: 2q24.3.
Variant type: single nucleotide variant.
Coding change: c.3858G>A on transcript NM_001165963.4 (MANE Select); coding-DNA position 3858, G replaced by A.
Protein change: p.Trp1286Ter; replaces tryptophan 1286 with a stop codon.
Molecular consequence: nonsense. On other transcripts: non-coding transcript variant (1).
Genome position (GRCh38, 1-based): chr2:166,012,130, C>T on the plus strand (G>A on the coding strand, the complement: SCN1A is on the minus strand). VCF-style: chr2-166012130-C-T. GRCh37 (hg19) VCF-style: chr2-166868640-C-T.
Other names: c.3774G>A, p.Trp1258Ter (NM_001165964.3, NM_001353957.2, NM_001353958.2); c.3858G>A, p.Trp1286Ter (NM_001202435.3, NM_001353948.2); c.3825G>A, p.Trp1275Ter (NM_001353949.2, NM_001353950.2, NM_001353951.2 and 2 more transcripts); c.3822G>A, p.Trp1274Ter (NM_001353954.2, NM_001353955.2); c.3771G>A, p.Trp1257Ter (NM_001353960.2); c.1416G>A, p.Trp472Ter (NM_001353961.2); short protein forms W1275*, W1286*, W1258*, W1257*, W1274*, W472*.
Identifiers: ClinVar variation 190029 (VCV000190029.1), dbSNP rs794726853, ClinGen allele CA303598.

ClinVar aggregate classification (germline): Pathogenic (1 of 4 stars; one submission).

Conditions:
Severe myoclonic epilepsy in infancy (DRVT). Also called: Epileptic encephalopathy, early infantile, 6 (Dravet syndrome); SEVERE MYOCLONIC EPILEPSY OF INFANCY; DEVELOPMENTAL AND EPILEPTIC ENCEPHALOPATHY 6A; Severe Myoclonic Epilepsy in Infancy (SMEI); Dravet syndrome. Identifiers: Orphanet 33069, MedGen C0751122, MONDO:0100135, OMIM 607208.

Submission:

Center for Bioinformatics, Peking University
Classification: Pathogenic for Dravet syndrome. Last evaluated: 2014-12-20. Review status: criteria provided, single submitter. Criteria: Xu et al. (Hum Mutat. 2015). Collection method: research. Allele origin: de novo. Affected: yes. Observed: 1 variant allele. Study: University Clinical Cooperation “985 Project” PKU-2014-1-1.
Comment: Dravet syndrome (DS) probands were recruited from the outpatient and inpatient child neurology units of Peking University First Hospital from 2005 till present. The study was approved by the Ethics Committee of Peking University First Hospital and the Institutional Review Board at Peking University. Participants or their parents provided written informed consent before enrollment. We collected a total of 267 mutations from 255 families with probands diagnosed with DS in China. All probands fulfilled the clinical diagnostic criteria.